The following is an entry in ClinVar:

NM_001292063.2(OTOG):c.6469del (p.Leu2156_Val2157insTer)

Gene: OTOG (otogelin; plus strand). Cytogenetic location: 11p15.1.
Variant type: Deletion.
Coding change: c.6469del on transcript NM_001292063.2 (MANE Select); coding-DNA position 6469, one base deleted (G; older notation c.6469delG).
Protein change: p.Leu2156_Val2157insTer.
Molecular consequence: nonsense.
Genome position (GRCh38, 1-based): chr11:17,613,642, G deleted; the last of 2 consecutive G bases (chr11:17,613,641-17,613,642); deleting either gives the same sequence. VCF-style (leftmost placement, unchanged base first): chr11-17613640-TG-T. GRCh37 (hg19) VCF-style: chr11-17635187-TG-T.
Other names: c.6505del, p.Leu2168_Val2169insTer (NM_001277269.2); c.6468delG (NM_001292063.2).
Identifiers: ClinVar variation 2445643 (VCV002445643.1), dbSNP rs2497553300, ClinGen allele CA2574770933.
Genomic context (GRCh38, chr11:17,613,640, plus strand): 5'-CCAAGTTGATGAGGGCTGGGTTCTCTCTGCAGGGGCACCTGAACTGGCCCCCGTTCTGTC[TG>T]GTGATGTTGAACATGACTCACTTGGCCCATCAGGTCACTATTGATCGCTTCAACCGAAAG-3'

ClinVar aggregate classification (germline): Pathogenic (1 of 4 stars; one submission).

Conditions:
Autosomal recessive nonsyndromic hearing loss 18B. Also called: Deafness, autosomal recessive 18b. Identifiers: Orphanet 90636, MedGen C3554163, MONDO:0013985, OMIM 614945.

Submission:

King Laboratory, University of Washington
Classification: Pathogenic for Autosomal recessive nonsyndromic hearing loss 18B. Last evaluated: 2023-02-28. Review status: criteria provided, single submitter. Criteria: Li et al. (Genet Med. 2022). Collection method: research. Allele origin: unknown. Affected: yes.
Comment: This variant is a single base pair deletion that introduces a premature stop at position 2157 of 2925 in the OTOG protein. As of January 2023, this variant has not been reported to ClinVar and is not found on gnomAD. Based on the prediction that this variant leads to a truncated protein, compound heterozygosity with a loss-of-function variant, and goodness of fit of genotype to phenotype, we conclude that this variant is pathogenic.

Literature cited by the submitters: PubMed 36633841.